The following is an entry in ClinVar:

NM_000981.4(RPL19):c.46C>T (p.Arg16Cys)

Gene: RPL19 (ribosomal protein L19; plus strand). Cytogenetic location: 17q12.
Variant type: single nucleotide variant.
Coding change: c.46C>T on transcript NM_000981.4 (MANE Select); coding-DNA position 46, C replaced by T.
Protein change: p.Arg16Cys; replaces arginine 16 with cysteine.
Molecular consequence: missense variant.
Genome position (GRCh38, 1-based): chr17:39,201,253, C>T. VCF-style: chr17-39201253-C-T. GRCh37 (hg19) VCF-style: chr17-37357506-C-T.
Other names: c.40C>T, p.Arg14Cys (NM_001330200.1); short protein forms R16C, R14C.
Identifiers: ClinVar variation 2175633 (VCV002175633.4), dbSNP rs774934686, ClinGen allele CA8528811.

ClinVar aggregate classification (germline): Uncertain significance (1 of 4 stars; one submission).

Allele frequency attached by ClinVar (database versions not stated): ExAC 0.00003; gnomAD 0.00005; TOPMed 0.00005.

Submission:

Labcorp Genetics (formerly Invitae), Labcorp
Classification: Uncertain significance. Last evaluated: 2024-07-25. Review status: criteria provided, single submitter. Criteria: Invitae Variant Classification Sherloc (09022015). Collection method: clinical testing. Allele origin: germline.
Comment: This sequence change replaces arginine, which is basic and polar, with cysteine, which is neutral and slightly polar, at codon 16 of the RPL19 protein (p.Arg16Cys). This variant is present in population databases (rs774934686, gnomAD 0.02%). This variant has not been reported in the literature in individuals affected with RPL19-related conditions. ClinVar contains an entry for this variant (Variation ID: 2175633). An algorithm developed to predict the effect of missense changes on protein structure and function (PolyPhen-2) suggests that this variant is likely to be tolerated. In summary, the available evidence is currently insufficient to determine the role of this variant in disease. Therefore, it has been classified as a Variant of Uncertain Significance.